The following is an entry in ClinVar:

NM_000052.7(ATP7A):c.3931A>G (p.Met1311Val)

Gene: ATP7A (ATPase copper transporting alpha; plus strand). Cytogenetic location: Xq21.1.
Variant type: single nucleotide variant.
Coding change: c.3931A>G on transcript NM_000052.7 (MANE Select); coding-DNA position 3931, A replaced by G.
Protein change: p.Met1311Val; replaces methionine 1311 with valine.
Molecular consequence: missense variant. On other transcripts: non-coding transcript variant (1).
Genome position (GRCh38, 1-based): chrX:78,042,714, A>G. VCF-style: chrX-78042714-A-G. GRCh37 (hg19) VCF-style: chrX-77298212-A-G.
Other names: p.Met1311Val; c.3697A>G, p.Met1233Val (NM_001282224.2); short protein forms M1311V, M1233V.
Identifiers: ClinVar variation 210466 (VCV000210466.70), dbSNP rs139781067, ClinGen allele CA208759.

ClinVar aggregate classification (germline): Conflicting classifications of pathogenicity. Review status: criteria provided, conflicting classifications (1 of 4 stars). 8 submissions from 8 submitters: Uncertain significance (1); Benign (5); Likely benign (2). Last evaluated 2026-01-27.

Conditions:
Ehlers-Danlos syndrome (EDS). Identifiers: Orphanet 98249, MedGen C0013720, MONDO:0020066.
Inborn genetic diseases. Identifiers: MedGen C0950123, MeSH D030342.
Menkes kinky-hair syndrome (MNK). Also called: Menkes Disease; Classic Menkes Disease; Copper transport disease. Identifiers: Orphanet 565, MedGen C0022716, MONDO:0010651, OMIM 309400.
Cutis laxa, X-linked (OHS). Also called: Occipital horn syndrome; EDS IX. Identifiers: Orphanet 198, MedGen C0268353, MONDO:0010572, OMIM 304150.
X-linked distal spinal muscular atrophy type 3. Also called: NEURONOPATHY, DISTAL HEREDITARY MOTOR, X-LINKED; NEUROPATHY, DISTAL HEREDITARY MOTOR, X-LINKED; ATP7A-Related Distal Motor Neuropathy; SPINAL MUSCULAR ATROPHY, DISTAL, X-LINKED RECESSIVE. Identifiers: Orphanet 139557, MedGen C1845359, MONDO:0010338, OMIM 300489.

Allele frequency attached by ClinVar (database versions not stated): gnomAD exomes 0.00047 and 0.00102; gnomAD 0.00057 and 0.00058; TOPMed 0.00063; ExAC 0.00071; ESP Exome Variant Server 0.00085.

Submissions (8):

Labcorp Genetics (formerly Invitae), Labcorp
Classification: Benign for X-linked distal spinal muscular atrophy type 3; Cutis laxa, X-linked; Menkes kinky-hair syndrome. Last evaluated: 2026-01-27. Review status: criteria provided, single submitter. Criteria: Invitae Variant Classification Sherloc (09022015). Collection method: clinical testing. Allele origin: germline.

Blueprint Genetics
Classification: Likely benign. Last evaluated: 2024-11-22. Review status: criteria provided, single submitter. Criteria: ACMG Guidelines, 2015. Collection method: clinical testing. Allele origin: germline.

Mayo Clinic Laboratories, Mayo Clinic
Classification: Benign. Last evaluated: 2024-07-29. Review status: criteria provided, single submitter. Criteria: ACMG Guidelines, 2015. Collection method: clinical testing. Allele origin: germline. Observed: 7 variant alleles.
Comment: BS1, BS2

GeneDx
Classification: Benign. Last evaluated: 2020-08-14. Review status: criteria provided, single submitter. Criteria: GeneDx Variant Classification Process June 2021. Collection method: clinical testing. Allele origin: germline. Affected: yes.
Comment: This variant is associated with the following publications: (PMID: 31959876)

Genome Diagnostics Laboratory, The Hospital for Sick Children
Classification: Likely benign for Ehlers-Danlos syndrome. Last evaluated: 2020-08-10. Review status: criteria provided, single submitter. Criteria: ACMG Guidelines, 2015. Collection method: clinical testing. Allele origin: germline.

Ambry Genetics
Classification: Benign for Inborn genetic diseases. Last evaluated: 2016-09-27. Review status: criteria provided, single submitter. Criteria: Ambry Variant Classification Scheme 2023. Collection method: clinical testing. Allele origin: germline.

CeGaT Center for Human Genetics Tuebingen
Classification: Uncertain significance. Last evaluated: 2016-07-01. Review status: criteria provided, single submitter. Criteria: CeGaT Center For Human Genetics Tuebingen Variant Classification Criteria Version 2. Collection method: clinical testing. Allele origin: germline. Affected: yes. Observed: 1 variant allele.

Genetic Services Laboratory, University of Chicago
Classification: Benign. Last evaluated: 2013-02-08. Review status: criteria provided, single submitter. Criteria: ACMG Guidelines, 2007. Collection method: clinical testing. Allele origin: germline.

Literature cited by the submitters: PubMed 31959876 (cited by Mayo Clinic Laboratories, Mayo Clinic); PubMed 33359139 (cited by Mayo Clinic Laboratories, Mayo Clinic).